The following is an entry in ClinVar:

NM_144691.4(CAPN12):c.568G>A (p.Gly190Ser)

Gene: CAPN12 (calpain 12; minus strand). Cytogenetic location: 19q13.2.
Variant type: single nucleotide variant.
Coding change: c.568G>A on transcript NM_144691.4 (MANE Select); coding-DNA position 568, G replaced by A.
Protein change: p.Gly190Ser; replaces glycine 190 with serine.
Molecular consequence: missense variant.
Genome position (GRCh38, 1-based): chr19:38,740,212, C>T on the plus strand (G>A on the coding strand, the complement: CAPN12 is on the minus strand). VCF-style: chr19-38740212-C-T. GRCh37 (hg19) VCF-style: chr19-39230852-C-T.
Other names: short protein forms G190S.
Identifiers: ClinVar variation 3056229 (VCV003056229.2), dbSNP rs62617084, ClinGen allele CA9419142.

ClinVar aggregate classification (germline): Benign (0 of 4 stars; one submission).

Conditions:
CAPN12-related disorder. Also called: CAPN12-related condition.

Allele frequency attached by ClinVar (database versions not stated): ESP Exome Variant Server 0.00161; gnomAD 0.00703; TOPMed 0.00925; ExAC 0.01310; 1000 Genomes Project 30x 0.01593; 1000 Genomes Project 0.01757.
gnomAD v4.1: 5,845 of 1,605,250 alleles (0.36%); highest among the groups gnomAD compares: Admixed American, 4.2%; 116 homozygotes.

Submission:

PreventionGenetics, part of Exact Sciences
Classification: Benign for CAPN12-related condition. Last evaluated: 2019-09-06. Review status: no assertion criteria provided. Collection method: clinical testing. Allele origin: germline.
Comment: This variant is classified as benign based on ACMG/AMP sequence variant interpretation guidelines (Richards et al. 2015 PMID: 25741868, with internal and published modifications).